The following is an entry in ClinVar:

NM_013444.4(UBQLN2):c.-4C>T

Gene: UBQLN2 (ubiquilin 2; plus strand). Cytogenetic location: Xp11.21.
Variant type: single nucleotide variant.
Coding change: c.-4C>T on transcript NM_013444.4 (MANE Select); 4 bases upstream of the start codon, C replaced by T.
Molecular consequence: 5 prime UTR variant.
Genome position (GRCh38, 1-based): chrX:56,563,870, C>T. VCF-style: chrX-56563870-C-T. GRCh37 (hg19) VCF-style: chrX-56590303-C-T.
Identifiers: ClinVar variation 3257226 (VCV003257226.17).

ClinVar aggregate classification (germline): Uncertain significance (1 of 4 stars; one submission).

gnomAD v4.1: 110 of 1,145,538 alleles (0.0096%); highest among the groups gnomAD compares: Non-Finnish European, 0.011%; no homozygotes.

Submission:

CeGaT Center for Human Genetics Tuebingen
Classification: Uncertain significance. Last evaluated: 2024-07-01. Review status: criteria provided, single submitter. Criteria: CeGaT Center For Human Genetics Tuebingen Variant Classification Criteria Version 2. Collection method: clinical testing. Allele origin: germline. Affected: yes. Observed: 1 variant allele.
Comment: UBQLN2: PM2:Supporting, BP4